The following is an entry in ClinVar:

ClinVar aggregate classification (germline): Benign/Likely benign. Review status: criteria provided, multiple submitters, no conflicts (2 of 4 stars). 9 submissions from 9 submitters: Benign (4); Likely benign (3). 2 of the submissions do not count toward it. Last evaluated 2026-02-04.

Conditions:
TSFM-related disorder. Also called: TSFM-related condition.
Fatal mitochondrial disease due to combined oxidative phosphorylation defect type 3. Also called: ENCEPHALOMYOPATHY, RESPIRATORY FAILURE, AND LACTIC ACIDOSIS; Combined oxidative phosphorylation deficiency 3. Identifiers: Orphanet 168566, MedGen C1864840, MONDO:0012512, OMIM 610505.

Allele frequency attached by ClinVar (database versions not stated): 1000 Genomes Project 30x 0.00687; 1000 Genomes Project 0.00699; gnomAD 0.00702; TOPMed 0.00713; ESP Exome Variant Server 0.00769.

Submissions (9):

Labcorp Genetics (formerly Invitae), Labcorp
Classification: Benign. Last evaluated: 2026-02-04. Review status: criteria provided, single submitter. Criteria: Invitae Variant Classification Sherloc (09022015). Collection method: clinical testing. Allele origin: germline.

Genomic Medicine Center of Excellence, King Faisal Specialist Hospital and Research Centre
Classification: Likely benign. Last evaluated: 2025-08-18. Review status: criteria provided, single submitter. Criteria: ACMG Guidelines, 2015. Collection method: clinical testing. Allele origin: germline.

Mayo Clinic Laboratories, Mayo Clinic
Classification: Benign. Last evaluated: 2024-08-05. Review status: criteria provided, single submitter. Criteria: ACMG Guidelines, 2015. Collection method: clinical testing. Allele origin: germline. Observed: 20 variant alleles.
Comment: BS1, BS2, BP4_moderate

Illumina Laboratory Services, Illumina
Classification: Benign for Fatal mitochondrial disease due to combined oxidative phosphorylation defect type 3. Last evaluated: 2018-01-13. Review status: criteria provided, single submitter. Criteria: ICSL Variant Classification Criteria 13 December 2019. Collection method: clinical testing. Allele origin: germline.
Comment: This variant was observed in the ICSL laboratory as part of a predisposition screen in an ostensibly healthy population. It had not been previously curated by ICSL or reported in the Human Gene Mutation Database (HGMD: prior to June 1st, 2018), and was therefore a candidate for classification through an automated scoring system. Utilizing variant allele frequency, disease prevalence and penetrance estimates, and inheritance mode, an automated score was calculated to assess if this variant is too frequent to cause the disease. Based on the score and internal cut-off values, a variant classified as benign is not then subjected to further curation. The score for this variant resulted in a classification of benign for this disease.

Center for Pediatric Genomic Medicine, Children's Mercy Hospital and Clinics
Classification: Likely benign. Last evaluated: 2015-04-13. Review status: criteria provided, single submitter. Criteria: ACMG Guidelines, 2015. Collection method: clinical testing. Allele origin: germline.
ClinVar note: Converted during submission from Likely Benign to Likely benign.

GeneDx
Classification: Benign. Last evaluated: 2015-03-03. Review status: criteria provided, single submitter. Criteria: GeneDx Variant Classification Process June 2021. Collection method: clinical testing. Allele origin: germline. Affected: yes.

Breakthrough Genomics
Classification: Likely benign. Review status: criteria provided, single submitter. Criteria: ACMG Guidelines, 2015. Collection method: not provided. Allele origin: germline. Inheritance: Autosomal recessive inheritance. Affected: yes.

Natera, Inc.
Classification: Benign for Combined oxidative phosphorylation deficiency 3. Last evaluated: 2019-11-11. Review status: no assertion criteria provided. Collection method: clinical testing. Allele origin: germline. Not counted in ClinVar's aggregate classification.

PreventionGenetics, part of Exact Sciences
Classification: Benign for TSFM-related condition. Last evaluated: 2019-05-03. Review status: no assertion criteria provided. Collection method: clinical testing. Allele origin: germline. Not counted in ClinVar's aggregate classification.
Comment: This variant is classified as benign based on ACMG/AMP sequence variant interpretation guidelines (Richards et al. 2015 PMID: 25741868, with internal and published modifications).

NM_005726.6(TSFM):c.796C>A (p.Leu266Ile)

Gene: TSFM (Ts translation elongation factor, mitochondrial; plus strand). Cytogenetic location: 12q14.1.
Variant type: single nucleotide variant.
Coding change: c.796C>A on transcript NM_005726.6 (MANE Select); coding-DNA position 796, C replaced by A.
Protein change: p.Leu266Ile; replaces leucine 266 with isoleucine.
Molecular consequence: missense variant. On other transcripts: 3 prime UTR variant (1), intron variant (1).
Genome position (GRCh38, 1-based): chr12:57,796,401, C>A. VCF-style: chr12-57796401-C-A. GRCh37 (hg19) VCF-style: chr12-58190184-C-A.
Other names: p.Leu287Ile; c.859C>A, p.Leu287Ile (NM_001172696.2); c.*204C>A (NM_001172695.2); c.571+3328C>A (NM_001172697.2); short protein forms L287I, L266I.
Identifiers: ClinVar variation 235467 (VCV000235467.24), dbSNP rs62000432, ClinGen allele CA6659450.